The following is an entry in ClinVar:

ClinVar aggregate classification (germline): Uncertain significance (1 of 4 stars; one submission).

Conditions:
DICER1-related tumor predisposition. Also called: DICER1-related pleuropulmonary blastoma cancer predisposition syndrome; DICER1 syndrome. Identifiers: Orphanet 284343, MedGen C3839822, MONDO:0100216.

Submission:

Labcorp Genetics (formerly Invitae), Labcorp
Classification: Uncertain significance for DICER1-related tumor predisposition. Last evaluated: 2021-08-28. Review status: criteria provided, single submitter. Criteria: Invitae Variant Classification Sherloc (09022015). Collection method: clinical testing. Allele origin: germline.
Comment: Algorithms developed to predict the effect of missense changes on protein structure and function (SIFT, PolyPhen-2, Align-GVGD) all suggest that this variant is likely to be tolerated. In summary, the available evidence is currently insufficient to determine the role of this variant in disease. Therefore, it has been classified as a Variant of Uncertain Significance. This variant has not been reported in the literature in individuals affected with DICER1-related conditions. This variant is not present in population databases (ExAC no frequency). This sequence change replaces glutamic acid with alanine at codon 1234 of the DICER1 protein (p.Glu1234Ala). The glutamic acid residue is highly conserved and there is a moderate physicochemical difference between glutamic acid and alanine.

NM_177438.3(DICER1):c.3701A>C (p.Glu1234Ala)

Gene: DICER1 (dicer 1, ribonuclease III; minus strand). Cytogenetic location: 14q32.13.
Variant type: single nucleotide variant.
Coding change: c.3701A>C on transcript NM_177438.3 (MANE Select); coding-DNA position 3701, A replaced by C.
Protein change: p.Glu1234Ala; replaces glutamic acid 1234 with alanine.
Molecular consequence: missense variant.
Genome position (GRCh38, 1-based): chr14:95,103,695, T>G on the plus strand (A>C on the coding strand, the complement: DICER1 is on the minus strand). VCF-style: chr14-95103695-T-G. GRCh37 (hg19) VCF-style: chr14-95570032-T-G.
Other names: c.3701A>C, p.Glu1234Ala (NM_001195573.1, NM_001271282.3, NM_001291628.2 and 1 more transcripts); short protein forms E1234A.
Identifiers: ClinVar variation 1486900 (VCV001486900.7), dbSNP rs2139961588, ClinGen allele CA390874293.